The following is an entry in ClinVar:

NM_000059.4(BRCA2):c.6271A>G (p.Ser2091Gly)

Gene: BRCA2 (BRCA2 DNA repair associated; plus strand). Cytogenetic location: 13q13.1.
Variant type: single nucleotide variant.
Coding change: c.6271A>G on transcript NM_000059.4 (MANE Select); coding-DNA position 6271, A replaced by G.
Protein change: p.Ser2091Gly; replaces serine 2091 with glycine.
Molecular consequence: missense variant.
Genome position (GRCh38, 1-based): chr13:32,340,626, A>G. VCF-style: chr13-32340626-A-G. GRCh37 (hg19) VCF-style: chr13-32914763-A-G.
Other names: short protein forms S2091G.
Identifiers: ClinVar variation 409570 (VCV000409570.19), dbSNP rs398122550, ClinGen allele CA16613992.
Genomic context (GRCh38, chr13:32,340,626, plus strand): 5'-AGTTCCTTACACAAAGTTAAGGGAGTGTTAGAGGAATTTGATTTAATCAGAACTGAGCAT[A>G]GTCTTCACTATTCACCTACGTCTAGACAAAATGTATCAAAAATACTTCCTCGTGTTGATA-3'
Protein context (NP_000050.3, residues 2081-2101): EEFDLIRTEH[Ser2091Gly]LHYSPTSRQN

ClinVar aggregate classification (germline): Conflicting classifications of pathogenicity. Review status: criteria provided, conflicting classifications (1 of 4 stars). 7 submissions from 7 submitters: Uncertain significance (4); Benign (1); Likely benign (2). Last evaluated 2026-07-07.

Conditions:
BRCA2-related disorder. Also called: BRCA2-related condition; BRCA2-related disorders. Identifiers: MedGen CN239275.
Hereditary cancer-predisposing syndrome. Also called: Neoplastic Syndromes, Hereditary; Tumor predisposition; Hereditary Cancer Syndrome; Hereditary neoplastic syndrome. Identifiers: Orphanet 140162, MedGen C0027672, MeSH D009386, MONDO:0015356.
Hereditary breast ovarian cancer syndrome. Also called: BRCA1- and BRCA2-Associated Hereditary Breast and Ovarian Cancer; Hereditary breast and ovarian cancer syndrome; Hereditary breast and ovarian cancer syndrome (HBOC); Breast and ovarian cancer; Hereditary breast and ovarian cancer; Hereditary breast and/or ovarian cancer syndrome. Identifiers: Orphanet 145, MedGen C0677776, MeSH D061325, MONDO:0003582. Disease mechanism: loss of function.

Submissions (7):

PreventionGenetics, part of Exact Sciences
Classification: Uncertain significance for BRCA2-related condition. Last evaluated: 2026-07-07. Review status: criteria provided, single submitter. Criteria: ACMG Guidelines, 2015. Collection method: clinical testing. Allele origin: germline.
Comment: The BRCA2 c.6271A>G variant is predicted to result in the amino acid substitution p.Ser2091Gly. This variant has been reported in individuals with breast and/or ovarian cancer (Alemar. 2017. PubMed ID: 29161300; de Oliveira et al. 2022. PubMed ID: 35534704). This variant has not been reported in a large population database (gnomAD), and has conflicting interpretations in ClinVar ranging from likely benign to uncertain (Variation ID: 409570). At this time, the clinical significance of this variant is uncertain due to the absence of conclusive functional and genetic evidence.

Labcorp Genetics (formerly Invitae), Labcorp
Classification: Uncertain significance for Hereditary breast ovarian cancer syndrome. Last evaluated: 2025-08-01. Review status: criteria provided, single submitter. Criteria: Invitae Variant Classification Sherloc (09022015). Collection method: clinical testing. Allele origin: germline.
Comment: This sequence change replaces serine, which is neutral and polar, with glycine, which is neutral and non-polar, at codon 2091 of the BRCA2 protein (p.Ser2091Gly). This variant is not present in population databases (gnomAD no frequency). This missense change has been observed in individual(s) with a personal and/or family history of breast and/or ovarian cancer (PMID: 29161300, 35534704). ClinVar contains an entry for this variant (Variation ID: 409570). Invitae Evidence Modeling of protein sequence and biophysical properties (such as structural, functional, and spatial information, amino acid conservation, physicochemical variation, residue mobility, and thermodynamic stability) indicates that this missense variant is not expected to disrupt BRCA2 protein function with a negative predictive value of 95%. In summary, the available evidence is currently insufficient to determine the role of this variant in disease. Therefore, it has been classified as a Variant of Uncertain Significance.

Ambry Genetics
Classification: Likely benign for Hereditary cancer-predisposing syndrome. Last evaluated: 2024-04-26. Review status: criteria provided, single submitter. Criteria: Ambry Variant Classification Scheme 2023. Collection method: clinical testing. Allele origin: germline.

Quest Diagnostics Nichols Institute San Juan Capistrano
Classification: Uncertain significance. Last evaluated: 2023-09-01. Review status: criteria provided, single submitter. Criteria: Quest Diagnostics criteria. Collection method: clinical testing. Allele origin: unknown.
Comment: In the published literature, this variant has been reported in individuals with a personal or family history of breast and/or ovarian cancer (PMID: 29161300 (2017)). This variant has not been reported in large, multi-ethnic general populations (Genome Aggregation Database). Analysis of this variant using bioinformatics tools for the prediction of the effect of amino acid changes on protein structure and function yielded predictions that this variant is benign. Based on the available information, we are unable to determine the clinical significance of this variant.

University of Washington Department of Laboratory Medicine, University of Washington
Classification: Likely benign for Hereditary cancer-predisposing syndrome. Last evaluated: 2023-03-23. Review status: criteria provided, single submitter. Criteria: Dines et al. (Genet Med. 2020). Collection method: curation. Allele origin: germline.
Comment: Missense variant in a coldspot region where missense variants are very unlikely to be pathogenic (PMID:31911673).

BRCA2 exon 11 coldspot. Reclassification based on statistical prior probability.

Mendelics
Classification: Benign. Last evaluated: 2022-05-04. Review status: criteria provided, single submitter. Criteria: Mendelics Assertion Criteria 2019. Collection method: clinical testing. Allele origin: germline.

Color Diagnostics, LLC DBA Color Health
Classification: Uncertain significance for Hereditary cancer-predisposing syndrome. Last evaluated: 2020-10-26. Review status: criteria provided, single submitter. Criteria: ACMG Guidelines, 2015. Collection method: clinical testing. Allele origin: germline.
Comment: This missense variant replaces serine with glycine at codon 2091 of the BRCA2 protein. Computational prediction suggests that this variant may not impact protein structure and function (internally defined REVEL score threshold <= 0.5, PMID: 27666373). To our knowledge, functional studies have not been reported for this variant. This variant has been reported in individuals affected with hereditary breast or ovarian cancer in the literature (PMID: 29161300). This variant has not been identified in the general population by the Genome Aggregation Database (gnomAD). The available evidence is insufficient to determine the role of this variant in disease conclusively. Therefore, this variant is classified as a Variant of Uncertain Significance.

Literature cited by the submitters: PubMed 29161300 (cited by Labcorp Genetics (formerly Invitae), Labcorp and Quest Diagnostics Nichols Institute San Juan Capistrano); PubMed 35534704 (cited by Labcorp Genetics (formerly Invitae), Labcorp); PubMed 31911673 (cited by Quest Diagnostics Nichols Institute San Juan Capistrano).